The following is an entry in ClinVar:

ClinVar aggregate classification (germline): Conflicting classifications of pathogenicity. Review status: criteria provided, conflicting classifications (1 of 4 stars). 6 submissions from 6 submitters: Likely pathogenic (2); Uncertain significance (1). 3 of the submissions do not count toward it. Last evaluated 2025-03-31.

Conditions:
Inborn genetic diseases. Identifiers: MedGen C0950123, MeSH D030342.
Fanconi anemia (FA). Also called: Fanconi's anemia. Identifiers: Orphanet 84, MedGen C0015625, MeSH D005199, MONDO:0019391.
Fanconi anemia complementation group A (FANCA). Also called: FANCA-Related Fanconi Anemia; Fanconi anemia, group A. Identifiers: Orphanet 84, MedGen C3469521, MONDO:0009215, OMIM 227650.

Allele frequency attached by ClinVar (database versions not stated): TOPMed below 0.00001; gnomAD 0.00001; gnomAD exomes 0.00001 and 0.00004; 1000 Genomes Project 30x 0.00016; 1000 Genomes Project 0.00020; ExAC 0.00002.
gnomAD v4.1: 6 of 1,614,084 alleles (0.00037%); highest among the groups gnomAD compares: East Asian, 0.013%; no homozygotes.

Submissions (6):

Labcorp Genetics (formerly Invitae), Labcorp
Classification: Likely pathogenic for Fanconi anemia. Last evaluated: 2025-03-31. Review status: criteria provided, single submitter. Criteria: Invitae Variant Classification Sherloc (09022015). Collection method: clinical testing. Allele origin: germline.
Comment: This sequence change replaces cysteine, which is neutral and slightly polar, with arginine, which is basic and polar, at codon 981 of the FANCA protein (p.Cys981Arg). This variant is present in population databases (rs191943709, gnomAD 0.04%). This missense change has been observed in individual(s) with clinical features of Fanconi anemia (internal data). In at least one individual the data is consistent with being in trans (on the opposite chromosome) from a pathogenic variant. ClinVar contains an entry for this variant (Variation ID: 224986). Invitae Evidence Modeling of protein sequence and biophysical properties (such as structural, functional, and spatial information, amino acid conservation, physicochemical variation, residue mobility, and thermodynamic stability) indicates that this missense variant is expected to disrupt FANCA protein function with a positive predictive value of 95%. In summary, the currently available evidence indicates that the variant is pathogenic, but additional data are needed to prove that conclusively. Therefore, this variant has been classified as Likely Pathogenic.

Fulgent Genetics
Classification: Uncertain significance for Fanconi anemia complementation group A. Last evaluated: 2024-03-26. Review status: criteria provided, single submitter. Criteria: ACMG Guidelines, 2015. Collection method: clinical testing. Allele origin: germline.

Ambry Genetics
Classification: Likely pathogenic for Inborn genetic diseases. Last evaluated: 2014-06-18. Review status: criteria provided, single submitter. Criteria: Ambry General Variant Classification Scheme_2022. Collection method: clinical testing. Allele origin: germline. Observed: 1 variant allele.
Comment: The c.2941T>C (p.C981R) alteration is located in exon 30 (coding exon 30) of the FANCA gene. This alteration results from a T to C substitution at nucleotide position 2941, causing the cysteine (C) at amino acid position 981 to be replaced by an arginine (R). Based on data from the NHLBI Exome Sequencing Project (ESP), the c.2941T>C alteration was not observed among 6,498 individuals tested (0.0%). This variant was previously reported in the Database of Single Nucleotide Polymorphisms (dbSNP) as rs191943709. Based on data from the 1000 Genomes Project, the C allele has an overall frequency of approximately 0.05% (1/2098) total alleles studied. The highest observed frequency was 0.54% (1/184) Southern Han Chinese alleles. The C981 amino acid position is completely conserved in available vertebrate species. This alteration is predicted to be probably damaging and deleterious by PolyPhen and SIFT in silico analyses, respectively. Based on the available evidence, this alteration is classified as likely pathogenic.

Istanbul Faculty of Medicine, Istanbul University
Classification: Pathogenic for Fanconi anemia complementation group A. Last evaluated: 2022-06-06. Review status: no assertion criteria provided. Collection method: clinical testing. Allele origin: germline. Affected: yes. Observed: 1 variant allele. Not counted in ClinVar's aggregate classification.

Natera, Inc.
Classification: Uncertain significance for Fanconi anemia, group A. Last evaluated: 2020-09-16. Review status: no assertion criteria provided. Collection method: clinical testing. Allele origin: germline. Not counted in ClinVar's aggregate classification.

Counsyl
Classification: Uncertain significance for Fanconi anemia complementation group A. Last evaluated: 2018-03-29. Review status: no assertion criteria provided. Collection method: clinical testing. Allele origin: unknown. Not counted in ClinVar's aggregate classification.

NM_000135.4(FANCA):c.2941T>C (p.Cys981Arg)

Gene: FANCA (FA complementation group A; minus strand). Cytogenetic location: 16q24.3.
Variant type: single nucleotide variant.
Coding change: c.2941T>C on transcript NM_000135.4 (MANE Select); coding-DNA position 2941, T replaced by C.
Protein change: p.Cys981Arg; replaces cysteine 981 with arginine.
Molecular consequence: missense variant.
Genome position (GRCh38, 1-based): chr16:89,758,617, A>G on the plus strand (T>C on the coding strand, the complement: FANCA is on the minus strand). VCF-style: chr16-89758617-A-G. GRCh37 (hg19) VCF-style: chr16-89825025-A-G.
Other names: c.2941T>C (LRG_495t1); c.2941T>C, p.Cys981Arg (NM_001286167.3); short protein forms C981R.
Identifiers: ClinVar variation 224986 (VCV000224986.15), dbSNP rs191943709, ClinGen allele CA358217.
Genomic context (GRCh38, chr16:89,758,617, plus strand): 5'-ATACAGTGTGTGCTGCTAACCTTTGGTGGAAATCCATCAGTGCGTTGACAAGAATGGTAC[A>G]CGCAGCCTGCAGGTCTCCGTCACAGCCCCCTGAAGCCGAGGACTCAGGGAGAAAGTGCTC-3'
Protein context (NP_000126.2, residues 971-991): GGCDGDLQAA[Cys981Arg]TILVNALMDF